The following is an entry in ClinVar:

ClinVar aggregate classification (germline): Uncertain significance. Review status: criteria provided, multiple submitters, no conflicts (2 of 4 stars). 4 submissions from 4 submitters: Uncertain significance (4). Last evaluated 2025-09-24.

Conditions:
Autosomal recessive nonsyndromic hearing loss 49. Also called: Deafness, neurosensory, autosomal recessive 49. Identifiers: Orphanet 90636, MedGen C1857811, MONDO:0012420, OMIM 610153.

Allele frequency attached by ClinVar (database versions not stated): gnomAD exomes 0.00031 and 0.00017; 1000 Genomes Project 0.00040; 1000 Genomes Project 30x 0.00047; ESP Exome Variant Server 0.00015; gnomAD 0.00020 and 0.00022; ExAC 0.00026; TOPMed 0.00030.
gnomAD v4.1: 480 of 1,614,096 alleles (0.03%); highest among the groups gnomAD compares: Non-Finnish European, 0.038%; 1 homozygote.

Submissions (4):

GeneDx
Classification: Uncertain significance. Last evaluated: 2025-09-24. Review status: criteria provided, single submitter. Criteria: GeneDx Variant Classification Process June 2021. Collection method: clinical testing. Allele origin: germline. Affected: yes.
Comment: In silico analysis suggests that this missense variant does not alter protein structure/function; Has not been previously published as pathogenic or benign to our knowledge

Blueprint Genetics
Classification: Uncertain significance. Last evaluated: 2024-09-02. Review status: criteria provided, single submitter. Criteria: ACMG Guidelines, 2015. Collection method: clinical testing. Allele origin: germline.

Labcorp Genetics (formerly Invitae), Labcorp
Classification: Uncertain significance. Last evaluated: 2022-08-25. Review status: criteria provided, single submitter. Criteria: Invitae Variant Classification Sherloc (09022015). Collection method: clinical testing. Allele origin: germline.
Comment: This sequence change replaces tyrosine, which is neutral and polar, with cysteine, which is neutral and slightly polar, at codon 243 of the MARVELD2 protein (p.Tyr243Cys). This variant is present in population databases (rs115738510, gnomAD 0.03%). This variant has not been reported in the literature in individuals affected with MARVELD2-related conditions. ClinVar contains an entry for this variant (Variation ID: 354085). Algorithms developed to predict the effect of missense changes on protein structure and function are either unavailable or do not agree on the potential impact of this missense change (SIFT: "Deleterious"; PolyPhen-2: "Probably Damaging"; Align-GVGD: "Class C0"). In summary, the available evidence is currently insufficient to determine the role of this variant in disease. Therefore, it has been classified as a Variant of Uncertain Significance.

Illumina Laboratory Services, Illumina
Classification: Uncertain significance for Autosomal recessive nonsyndromic hearing loss 49. Last evaluated: 2018-01-12. Review status: criteria provided, single submitter. Criteria: ICSL Variant Classification Criteria 13 December 2019. Collection method: clinical testing. Allele origin: germline.

NM_001038603.3(MARVELD2):c.728A>G (p.Tyr243Cys)

Gene: MARVELD2 (MARVEL domain containing 2; plus strand). Cytogenetic location: 5q13.2.
Variant type: single nucleotide variant.
Coding change: c.728A>G on transcript NM_001038603.3 (MANE Select); coding-DNA position 728, A replaced by G.
Protein change: p.Tyr243Cys; replaces tyrosine 243 with cysteine.
Molecular consequence: missense variant.
Genome position (GRCh38, 1-based): chr5:69,420,113, A>G. VCF-style: chr5-69420113-A-G. GRCh37 (hg19) VCF-style: chr5-68715940-A-G.
Other names: c.728A>G, p.Tyr243Cys (NM_001244734.2); short protein forms Y243C.
Identifiers: ClinVar variation 354085 (VCV000354085.10), dbSNP rs115738510, ClinGen allele CA3294102.